The following is an entry in ClinVar:

NM_000051.4(ATM):c.8963A>G (p.Asp2988Gly)

Genes: ATM (ATM serine/threonine kinase; plus strand), C11orf65 (chromosome 11 open reading frame 65; minus strand). Cytogenetic location: 11q22.3.
Variant type: single nucleotide variant.
Coding change: c.8963A>G on transcript NM_000051.4 (MANE Select); coding-DNA position 8963, A replaced by G.
Protein change: p.Asp2988Gly; replaces aspartic acid 2988 with glycine.
Molecular consequence: missense variant. On other transcripts: intron variant (2).
Genome position (GRCh38, 1-based): chr11:108,365,194, A>G. VCF-style: chr11-108365194-A-G. GRCh37 (hg19) VCF-style: chr11-108235921-A-G.
Other names: c.8963A>G, p.Asp2988Gly (NM_001351834.2); c.640+20726T>C (NM_001330368.2); c.694+20726T>C (NM_001351110.2); short protein forms D2988G.
Identifiers: ClinVar variation 4747281 (VCV004747281.1).

ClinVar aggregate classification (germline): Uncertain significance (1 of 4 stars; one submission).

Conditions:
Ataxia-telangiectasia syndrome (AT). Also called: LOUIS-BAR SYNDROME; Cerebello-oculocutaneous telangiectasia; Immunodeficiency with ataxia telangiectasia; Ataxia-telangiectasia, complementation group D; AT, COMPLEMENTATION GROUP C; ATAXIA-TELANGIECTASIA, COMPLEMENTATION GROUP A. Identifiers: Orphanet 100, MedGen C0004135, MONDO:0008840, OMIM 208900.

Submission:

Labcorp Genetics (formerly Invitae), Labcorp
Classification: Uncertain significance for Ataxia-telangiectasia syndrome. Last evaluated: 2026-01-04. Review status: criteria provided, single submitter. Criteria: Invitae Variant Classification Sherloc (09022015). Collection method: clinical testing. Allele origin: germline.
Comment: This sequence change replaces aspartic acid, which is acidic and polar, with glycine, which is neutral and non-polar, at codon 2988 of the ATM protein (p.Asp2988Gly). This variant is not present in population databases (gnomAD no frequency). This variant has not been reported in the literature in individuals affected with ATM-related conditions. Invitae Evidence Modeling of protein sequence and biophysical properties (such as structural, functional, and spatial information, amino acid conservation, physicochemical variation, residue mobility, and thermodynamic stability) indicates that this missense variant is not expected to disrupt ATM protein function with a negative predictive value of 95%. In summary, the available evidence is currently insufficient to determine the role of this variant in disease. Therefore, it has been classified as a Variant of Uncertain Significance.